The following is an entry in ClinVar:

NM_016938.5(EFEMP2):c.964G>A (p.Val322Ile)

Gene: EFEMP2 (EGF-like fibulin extracellular matrix protein 2; minus strand). Cytogenetic location: 11q13.1.
Variant type: single nucleotide variant.
Coding change: c.964G>A on transcript NM_016938.5 (MANE Select); coding-DNA position 964, G replaced by A.
Protein change: p.Val322Ile; replaces valine 322 with isoleucine.
Molecular consequence: missense variant. On other transcripts: non-coding transcript variant (1).
Genome position (GRCh38, 1-based): chr11:65,868,305, C>T on the plus strand (G>A on the coding strand, the complement: EFEMP2 is on the minus strand). VCF-style: chr11-65868305-C-T. GRCh37 (hg19) VCF-style: chr11-65635776-C-T.
Other names: short protein forms V322I.
Identifiers: ClinVar variation 3226942 (VCV003226942.2), dbSNP rs759573856, ClinGen allele CA6110470.

ClinVar aggregate classification (germline): Uncertain significance. Review status: criteria provided, multiple submitters, no conflicts (2 of 4 stars). 2 submissions from 2 submitters: Uncertain significance (2). Last evaluated 2024-11-21.

Conditions:
Cutis laxa, autosomal recessive, type 1B (ARCL1B). Also called: CUTIS LAXA, AUTOSOMAL RECESSIVE, TYPE IB; EFEMP2-Related Cutis Laxa. Identifiers: Orphanet 90349, MedGen C3280798, MONDO:0013754, OMIM 614437. Disease mechanism: loss of function.
Cardiovascular phenotype. Identifiers: MedGen CN230736.

Allele frequency attached by ClinVar (database versions not stated): ExAC 0.00001; gnomAD 0.00001.

Submissions (2):

Labcorp Genetics (formerly Invitae), Labcorp
Classification: Uncertain significance for Cutis laxa, autosomal recessive, type 1B. Last evaluated: 2024-11-21. Review status: criteria provided, single submitter. Criteria: Invitae Variant Classification Sherloc (09022015). Collection method: clinical testing. Allele origin: germline.
Comment: This sequence change replaces valine, which is neutral and non-polar, with isoleucine, which is neutral and non-polar, at codon 322 of the EFEMP2 protein (p.Val322Ile). This variant is present in population databases (rs759573856, gnomAD 0.02%). This variant has not been reported in the literature in individuals affected with EFEMP2-related conditions. ClinVar contains an entry for this variant (Variation ID: 3226942). Invitae Evidence Modeling of protein sequence and biophysical properties (such as structural, functional, and spatial information, amino acid conservation, physicochemical variation, residue mobility, and thermodynamic stability) has been performed for this missense variant. However, the output from this modeling did not meet the statistical confidence thresholds required to predict the impact of this variant on EFEMP2 protein function. In summary, the available evidence is currently insufficient to determine the role of this variant in disease. Therefore, it has been classified as a Variant of Uncertain Significance.

Ambry Genetics
Classification: Uncertain significance for Cardiovascular phenotype. Last evaluated: 2023-10-26. Review status: criteria provided, single submitter. Criteria: Ambry Variant Classification Scheme 2023. Collection method: clinical testing. Allele origin: germline.
Comment: The p.V322I variant (also known as c.964G>A), located in coding exon 8 of the EFEMP2 gene, results from a G to A substitution at nucleotide position 964. The valine at codon 322 is replaced by isoleucine, an amino acid with highly similar properties. This amino acid position is conserved. In addition, the in silico prediction for this alteration is inconclusive. Since supporting evidence is limited at this time, the clinical significance of this alteration remains unclear.